The following is an entry in ClinVar:

ClinVar aggregate classification (germline): Conflicting classifications of pathogenicity. Review status: criteria provided, conflicting classifications (1 of 4 stars). 8 submissions from 7 submitters: Uncertain significance (4); Likely benign (2). 2 of the submissions do not count toward it. Last evaluated 2026-05-18.

Conditions:
Cutis laxa, autosomal dominant. Also called: Cutis laxa, dominant type. Identifiers: Orphanet 90348, MedGen C0268350, MONDO:0019571.
Cutis laxa. Identifiers: Orphanet 209, MedGen C0010495, MONDO:0016175, HP:0000973.
Cutis laxa, autosomal recessive, type 1A (ARCL1A). Also called: Autosomal recessive cutis laxa type IA. Identifiers: Orphanet 90349, MedGen C5848058, MONDO:0009052, OMIM 219100.
Macular degeneration, age-related, 3 (ARMD3). Identifiers: Orphanet 280598, MedGen C1837187, MONDO:0012145, OMIM 608895.

Allele frequency attached by ClinVar (database versions not stated): gnomAD 0.00012 and 0.00009; gnomAD exomes 0.00023 and 0.00028; TOPMed 0.00027; ExAC 0.00033; ESP Exome Variant Server 0.00015.

Submissions (8):

Women's Health and Genetics/Laboratory Corporation of America, LabCorp
Classification: Uncertain significance. Last evaluated: 2026-05-18. Review status: criteria provided, single submitter. Criteria: LabCorp Variant Classification Summary - May 2015. Collection method: clinical testing. Allele origin: germline.
Comment: Variant summary: FBLN5 c.604G>A (p.Gly202Arg) results in a non-conservative amino acid change in the encoded protein sequence. Algorithms developed to predict the effect of missense changes on protein structure and function all suggest that this variant is likely to be disruptive. The variant allele was found at a frequency of 0.00028 in 251462 control chromosomes (gnomAD). This frequency is not significantly higher than estimated for disease-causing variants in FBLN5, allowing no conclusion about variant significance. c.604G>A has been observed in an individual(s) affected with cutis laxa without strong evidence of causality (Hu_2006). This report does not provide unequivocal conclusions about association of the variant with disease. Publications reports experimental evidence evaluating an impact on protein function, however, does not allow convincing conclusions about the variant effect (e.g. Hu_2006, Jones_2010, Schneider_2010). The following publications have been ascertained in the context of this evaluation (PMID: 16374472, 20007835, 20599547). ClinVar contains an entry for this variant (Variation ID: 21453). Based on the evidence outlined above, the variant was classified as uncertain significance.

Labcorp Genetics (formerly Invitae), Labcorp
Classification: Uncertain significance. Last evaluated: 2026-02-02. Review status: criteria provided, single submitter. Criteria: Invitae Variant Classification Sherloc (09022015). Collection method: clinical testing. Allele origin: germline.
Comment: This sequence change replaces glycine, which is neutral and non-polar, with arginine, which is basic and polar, at codon 202 of the FBLN5 protein (p.Gly202Arg). This variant is present in population databases (rs80338765, gnomAD 0.09%). This missense change has been observed in individual(s) with cutis laxa and aortic aneurysm (PMID: 16374472). ClinVar contains an entry for this variant (Variation ID: 21453). Invitae Evidence Modeling of protein sequence and biophysical properties (such as structural, functional, and spatial information, amino acid conservation, physicochemical variation, residue mobility, and thermodynamic stability) indicates that this missense variant is not expected to disrupt FBLN5 protein function with a negative predictive value of 80%. Experimental studies are conflicting or provide insufficient evidence to determine the effect of this variant on FBLN5 function (PMID: 16374472, 16652333, 20007835, 20599547). In summary, the available evidence is currently insufficient to determine the role of this variant in disease. Therefore, it has been classified as a Variant of Uncertain Significance.

ARUP Laboratories, Molecular Genetics and Genomics, ARUP Laboratories
Classification: Uncertain significance. Last evaluated: 2022-01-07. Review status: criteria provided, single submitter. Criteria: ARUP Molecular Germline Variant Investigation Process 2021. Collection method: clinical testing. Allele origin: germline.
Comment: The FBLN5 c.604G>A; p.Gly202Arg variant (rs80338765) is reported in the literature in an individual affected with acquired cutis laxa who also carried two variants in the ELN gene (Hu 2006), but is also reported in healthy controls (Jones 2010, Lotery 2006). One functional study demonstrates no effects on structure or secretion (Schneider 2010), but other studies show increased binding of the variant protein to tropoelastin (Hu 2006, Jones 2010). This variant is also reported in ClinVar (Variation ID: 21453), and is found in the Latino/Admixed American population with an allele frequency of 0.11% (39/35438 alleles) in the Genome Aggregation Database. The glycine at codon 202 is highly conserved, and computational analyses predict that this variant is deleterious (REVEL: 0.856). Based on available information, the clinical significance of the p.Gly202Arg variant is uncertain at this time. References: Hu Q et al. Inflammatory destruction of elastic fibers in acquired cutis laxa is associated with missense alleles in the elastin and fibulin-5 genes. J Invest Dermatol. 2006 Feb;126(2):283-90. PMID: 16374472. Jones RP et al. Structural effects of fibulin 5 missense mutations associated with age-related macular degeneration and cutis laxa. Invest Ophthalmol Vis Sci. 2010 May;51(5):2356-62. PMID: 20007835. Lotery AJ et al. Reduced secretion of fibulin 5 in age-related macular degeneration and cutis laxa. Hum Mutat. 2006 Jun;27(6):568-74. PMID: 16652333. Schneider R et al. Biophysical characterisation of fibulin-5 proteins associated with disease. J Mol Biol. 2010 Aug 27;401(4):605-17. PMID: 20599547.

GeneDx
Classification: Uncertain significance. Last evaluated: 2021-11-29. Review status: criteria provided, single submitter. Criteria: GeneDx Variant Classification Process June 2021. Collection method: clinical testing. Allele origin: germline. Affected: yes.
Comment: Reported in association with cutis laxa and in control cohorts (Hu et al., 2006; Lotery et al., 2006); While one functional study suggests that G202R may increase binding to tropoelastin (Jones et al., 2010), another study demonstrated that this variant did not affect the structure or calcium-binding properties of fibulin-5 (Schneider et al., 2010); both authors concluded that this variant is not sufficient to cause disease (Schneider et al., 2010; Jones et al., 2010); In silico analysis supports that this missense variant does not alter protein structure/function; This variant is associated with the following publications: (PMID: 20007835, 16652333, 16374472, 20599547, 17035250)

Illumina Laboratory Services, Illumina
Classification: Likely benign for Macular degeneration, age-related, 3. Last evaluated: 2017-04-27. Review status: criteria provided, single submitter. Criteria: ICSL Variant Classification Criteria 13 December 2019. Collection method: clinical testing. Allele origin: germline.
Comment: This variant was observed as part of a predisposition screen in an ostensibly healthy population. A literature search was performed for the gene, cDNA change, and amino acid change (where applicable). Publications were found based on this search. The evidence from the literature, in combination with allele frequency data from public databases where available, was sufficient to determine this variant is unlikely to cause disease. Therefore, this variant is classified as likely benign.

Illumina Laboratory Services, Illumina
Classification: Likely benign for Cutis laxa. Last evaluated: 2017-04-27. Review status: criteria provided, single submitter. Criteria: ICSL Variant Classification Criteria 13 December 2019. Collection method: clinical testing. Allele origin: germline.
Comment: the same text as in the submission from Illumina Laboratory Services, Illumina above.

Inherited Neuropathy Consortium Ii, University Of Miami
Classification: Uncertain significance for Cutis laxa, autosomal dominant. Last evaluated: 2016-01-06. Review status: no assertion criteria provided. Collection method: literature only. Allele origin: germline. Affected: yes. Not counted in ClinVar's aggregate classification.

GeneReviews
No classification provided. Condition: Autosomal recessive cutis laxa type 1. Review status: no classification provided. Collection method: literature only. Allele origin: germline. Not counted in ClinVar's aggregate classification.

Literature cited by the submitters: PubMed 20007835 (cited by Women's Health and Genetics/Laboratory Corporation of America, LabCorp and Labcorp Genetics (formerly Invitae), Labcorp); PubMed 16374472 (cited by 4 submitters); PubMed 20599547 (cited by 3 submitters); PubMed 16652333 (cited by Labcorp Genetics (formerly Invitae), Labcorp); PubMed 17035250 (cited by Illumina Laboratory Services, Illumina and GeneReviews).

NM_006329.4(FBLN5):c.604G>A (p.Gly202Arg)

Gene: FBLN5 (fibulin 5; minus strand). Cytogenetic location: 14q32.12.
Variant type: single nucleotide variant.
Coding change: c.604G>A on transcript NM_006329.4 (MANE Select); coding-DNA position 604, G replaced by A.
Protein change: p.Gly202Arg; replaces glycine 202 with arginine.
Molecular consequence: missense variant.
Genome position (GRCh38, 1-based): chr14:91,891,236, C>T on the plus strand (G>A on the coding strand, the complement: FBLN5 is on the minus strand). VCF-style: chr14-91891236-C-T. GRCh37 (hg19) VCF-style: chr14-92357580-C-T.
Other names: c.604G>A, p.Gly202Arg (NM_001384160.1); c.436G>A, p.Gly146Arg (NM_001384161.1, NM_001384162.1); c.727G>A, p.Gly243Arg (NM_001384158.1); c.655G>A, p.Gly219Arg (NM_001384159.1); short protein forms G202R, G146R, G219R, G243R.
Identifiers: ClinVar variation 21453 (VCV000021453.21), dbSNP rs80338765, ClinGen allele CA342101.
Genomic context (GRCh38, chr14:91,891,236, plus strand): 5'-GCTAGTGTCTCACATCATGTCCAAGTTATCATGCACGTCACATACCTTGGCAAGACCTTC[C>T]ATCCTCATTGAGGGTAAAACCAGGGTTGCATGTACAAGAATAGGATCCAGGAACATTCGC-3'
Protein context (NP_006320.2, residues 192-212): CNPGFTLNED[Gly202Arg]RSCQDVNECA